The following is an entry in ClinVar:

ClinVar aggregate classification (germline): Pathogenic. Review status: criteria provided, multiple submitters, no conflicts (2 of 4 stars). 6 submissions from 4 submitters: Pathogenic (6). Last evaluated 2024-07-23.

Conditions:
Leber congenital amaurosis 8 (LCA8). Identifiers: Orphanet 65, MedGen C3151202, MONDO:0013453, OMIM 613835.
Retinitis pigmentosa 12 (RP12). Also called: RP WITH OR WITHOUT PPRPE; RP WITH OR WITHOUT PRESERVED PARAARTERIOLE RETINAL PIGMENT EPITHELIUM; RETINITIS PIGMENTOSA WITH OR WITHOUT PARAARTERIOLAR PRESERVATION OF RETINAL PIGMENT EPITHELIUM. Identifiers: Orphanet 791, MedGen C1838647, MONDO:0010818, OMIM 600105.
CRB1-related disorder. Also called: CRB1-related condition; CRB1-related disorders.
Pigmented paravenous retinochoroidal atrophy. Identifiers: Orphanet 251295, MedGen C1868310, MONDO:0008246, OMIM 172870.

Submissions (6):

Labcorp Genetics (formerly Invitae), Labcorp
Classification: Pathogenic for Leber congenital amaurosis 8; Retinitis pigmentosa 12. Last evaluated: 2024-07-23. Review status: criteria provided, single submitter. Criteria: Invitae Variant Classification Sherloc (09022015). Collection method: clinical testing. Allele origin: germline.
Comment: This sequence change creates a premature translational stop signal (p.Tyr375*) in the CRB1 gene. It is expected to result in an absent or disrupted protein product. Loss-of-function variants in CRB1 are known to be pathogenic (PMID: 10508521, 22065545, 23379534, 25412400, 26957898, 28041643, 29391521). This variant is not present in population databases (gnomAD no frequency). This premature translational stop signal has been observed in individual(s) with CRB1-related conditions (PMID: 21484995). ClinVar contains an entry for this variant (Variation ID: 866778). For these reasons, this variant has been classified as Pathogenic.

3billion
Classification: Pathogenic for Retinitis pigmentosa 12. Last evaluated: 2023-12-03. Review status: criteria provided, single submitter. Criteria: ACMG Guidelines, 2015. Collection method: clinical testing. Allele origin: germline. Affected: yes.
Comment: The variant is not observed in the gnomAD v2.1.1 dataset. Predicted Consequence/Location: Stop-gained (nonsense): predicted to result in a loss or disruption of normal protein function through nonsense-mediated decay (NMD) or protein truncation. Multiple pathogenic variants are reported downstream of the variant. The variant has been reported at least twice as pathogenic without evidence for the classification (ClinVar ID: VCV000866778 /PMID: 21484995). Therefore, this variant is classified as Pathogenic according to the recommendation of ACMG/AMP guideline.

Genome-Nilou Lab
Classification: Pathogenic for Leber congenital amaurosis 8. Last evaluated: 2023-04-11. Review status: criteria provided, single submitter. Criteria: ACMG Guidelines, 2015. Collection method: clinical testing. Allele origin: germline. Affected: no.

Genome-Nilou Lab
Classification: Pathogenic for Pigmented paravenous retinochoroidal atrophy. Last evaluated: 2023-04-11. Review status: criteria provided, single submitter. Criteria: ACMG Guidelines, 2015. Collection method: clinical testing. Allele origin: germline. Affected: no.

Genome-Nilou Lab
Classification: Pathogenic for Retinitis pigmentosa 12. Last evaluated: 2023-04-11. Review status: criteria provided, single submitter. Criteria: ACMG Guidelines, 2015. Collection method: clinical testing. Allele origin: germline. Affected: no.

Blueprint Genetics
Classification: Pathogenic for CRB1-related disorders. Last evaluated: 2018-07-06. Review status: criteria provided, single submitter. Criteria: ACMG Guidelines, 2015. Collection method: clinical testing. Allele origin: germline. Affected: yes. Observed: 1 variant allele.

Literature cited by the submitters: PubMed 10508521 (cited by Labcorp Genetics (formerly Invitae), Labcorp); PubMed 22065545 (cited by Labcorp Genetics (formerly Invitae), Labcorp); PubMed 23379534 (cited by Labcorp Genetics (formerly Invitae), Labcorp); PubMed 25412400 (cited by Labcorp Genetics (formerly Invitae), Labcorp); PubMed 26957898 (cited by Labcorp Genetics (formerly Invitae), Labcorp); PubMed 28041643 (cited by Labcorp Genetics (formerly Invitae), Labcorp); PubMed 29391521 (cited by Labcorp Genetics (formerly Invitae), Labcorp); PubMed 21484995 (cited by Labcorp Genetics (formerly Invitae), Labcorp and 3billion).

NM_201253.3(CRB1):c.1125C>G (p.Tyr375Ter)

Gene: CRB1 (crumbs cell polarity complex component 1; plus strand). Cytogenetic location: 1q31.3.
Variant type: single nucleotide variant.
Coding change: c.1125C>G on transcript NM_201253.3 (MANE Select); coding-DNA position 1125, C replaced by G.
Protein change: p.Tyr375Ter; replaces tyrosine 375 with a stop codon.
Molecular consequence: nonsense. On other transcripts: non-coding transcript variant (2).
Genome position (GRCh38, 1-based): chr1:197,356,967, C>G. VCF-style: chr1-197356967-C-G. GRCh37 (hg19) VCF-style: chr1-197326097-C-G.
Other names: c.789C>G, p.Tyr263Ter (NM_001193640.2); c.918C>G, p.Tyr306Ter (NM_001257965.2); c.1125C>G, p.Tyr375Ter (NM_001257966.2); short protein forms Y375*, Y306*, Y263*.
Identifiers: ClinVar variation 866778 (VCV000866778.9), dbSNP rs1660515780, ClinGen allele CA344084582.
Genomic context (GRCh38, chr1:197,356,967, plus strand): 5'-GGAGCTGTCCTCAGAGAAACAATATGGACGCATCACTGGACTGCCTTCTTCTTTCAGCTA[C>G]CATGAAGCCTCAGGTTATGTCTGTATCTGTCAGCCTGGATTCACAGGTGAGGCCAAGGAG-3'